The following is an entry in ClinVar:

NM_001303256.3(MORC2):c.1918C>G (p.Gln640Glu)

Gene: MORC2 (MORC family CW-type zinc finger 2; minus strand). Cytogenetic location: 22q12.2.
Variant type: single nucleotide variant.
Coding change: c.1918C>G on transcript NM_001303256.3 (MANE Select); coding-DNA position 1918, C replaced by G.
Protein change: p.Gln640Glu; replaces glutamine 640 with glutamic acid.
Molecular consequence: missense variant.
Genome position (GRCh38, 1-based): chr22:30,935,056, G>C on the plus strand (C>G on the coding strand, the complement: MORC2 is on the minus strand). VCF-style: chr22-30935056-G-C. GRCh37 (hg19) VCF-style: chr22-31331043-G-C.
Other names: c.1918C>G, p.Gln640Glu (NM_001303257.2); c.1732C>G, p.Gln578Glu (NM_014941.3); short protein forms Q578E, Q640E.
Identifiers: ClinVar variation 645778 (VCV000645778.7), dbSNP rs1602481898, ClinGen allele CA411235337.
Genomic context (GRCh38, chr22:30,935,056, plus strand): 5'-CCCGGGCTGCCAAAGCAGGGAGCTTTGGGGTACTGCTGATGACAGGAGCCTTTCGGGGCT[G>C]GCTGGCTGGTCTAGGAGTTGGCAAAGAAGGGGGTCTGCTGGGGGCGTTCCTGATCACAGC-3'
Protein context (NP_001290185.1, residues 630-650): PSLPTPRPAS[Gln640Glu]PRKAPVISST

ClinVar aggregate classification (germline): Uncertain significance (1 of 4 stars; one submission).

Conditions:
Charcot-Marie-Tooth disease axonal type 2Z. Also called: CHARCOT-MARIE-TOOTH DISEASE, AXONAL, AUTOSOMAL DOMINANT, TYPE 2Z; CHARCOT-MARIE-TOOTH NEUROPATHY, TYPE 2Z. Identifiers: Orphanet 466768, MedGen C5569025, MONDO:0014736, OMIM 616688.

Submission:

Labcorp Genetics (formerly Invitae), Labcorp
Classification: Uncertain significance for Charcot-Marie-Tooth disease axonal type 2Z. Last evaluated: 2018-12-17. Review status: criteria provided, single submitter. Criteria: Invitae Variant Classification Sherloc (09022015). Collection method: clinical testing. Allele origin: germline.
Comment: This variant is not present in population databases (ExAC no frequency). In summary, the available evidence is currently insufficient to determine the role of this variant in disease. Therefore, it has been classified as a Variant of Uncertain Significance. Algorithms developed to predict the effect of missense changes on protein structure and function are either unavailable or do not agree on the potential impact of this missense change (SIFT: "Tolerated"; PolyPhen-2: "Benign"; Align-GVGD: "Class C0"). This variant has not been reported in the literature in individuals with MORC2-related conditions. This sequence change replaces glutamine with glutamic acid at codon 640 of the MORC2 protein (p.Gln640Glu). The glutamine residue is moderately conserved and there is a small physicochemical difference between glutamine and glutamic acid.